The following is an entry in ClinVar:

NC_000018.9:g.(?_43502287)_(43505888_?)del

Gene: EPG5 (ectopic P-granules 5 autophagy tethering factor; minus strand). Cytogenetic location: 18q21.1.
Variant type: Deletion.
Identifiers: ClinVar variation 1459687 (VCV001459687.6).

ClinVar aggregate classification (germline): Pathogenic (1 of 4 stars; one submission).

Conditions:
Vici syndrome (VICIS). Identifiers: Orphanet 1493, MedGen C1855772, MONDO:0009452, OMIM 242840.

Submission:

Labcorp Genetics (formerly Invitae), Labcorp
Classification: Pathogenic for Vici syndrome. Last evaluated: 2021-12-02. Review status: criteria provided, single submitter. Criteria: Invitae Variant Classification Sherloc (09022015). Collection method: clinical testing. Allele origin: germline.
Comment: For these reasons, this variant has been classified as Pathogenic. This variant has not been reported in the literature in individuals affected with EPG5-related conditions. This variant is a gross deletion of the genomic region encompassing exon(s) 14-16 of the EPG5 gene. This deletion is out-of-frame, and is expected to create a premature termination codon and result in an absent or disrupted protein product. Loss-of-function variants in EPG5 are known to be pathogenic (PMID: 23222957, 23674064).

Literature cited by the submitters: PubMed 23222957; PubMed 23674064.